The following is an entry in ClinVar:

ClinVar aggregate classification (germline): Uncertain significance (1 of 4 stars; one submission).

Conditions:
Lethal congenital glycogen storage disease of heart. Also called: PHOSPHORYLASE KINASE DEFICIENCY OF HEART; GLYCOGEN STORAGE DISEASE OF HEART. Identifiers: Orphanet 439854, MedGen C1849813, MONDO:0009867, OMIM 261740.

Allele frequency attached by ClinVar (database versions not stated): gnomAD exomes below 0.00001.
gnomAD v4.1: 1 of 1,609,854 alleles (0.000062%); highest among the groups gnomAD compares: Non-Finnish European, 0.000085%; no homozygotes.

Submission:

Labcorp Genetics (formerly Invitae), Labcorp
Classification: Uncertain significance for Lethal congenital glycogen storage disease of heart. Last evaluated: 2022-04-24. Review status: criteria provided, single submitter. Criteria: Invitae Variant Classification Sherloc (09022015). Collection method: clinical testing. Allele origin: germline.
Comment: This variant has not been reported in the literature in individuals affected with PRKAG2-related conditions. This variant is not present in population databases (gnomAD no frequency). This sequence change falls in intron 2 of the PRKAG2 gene. It does not directly change the encoded amino acid sequence of the PRKAG2 protein. It affects a nucleotide within the consensus splice site. Variants that disrupt the consensus splice site are a relatively common cause of aberrant splicing (PMID: 17576681, 9536098). Algorithms developed to predict the effect of sequence changes on RNA splicing suggest that this variant is not likely to affect RNA splicing. In summary, the available evidence is currently insufficient to determine the role of this variant in disease. Therefore, it has been classified as a Variant of Uncertain Significance.

Literature cited by the submitters: PubMed 17576681; PubMed 9536098.

NM_016203.4(PRKAG2):c.186+3A>G

Gene: PRKAG2 (protein kinase AMP-activated non-catalytic subunit gamma 2; minus strand). Cytogenetic location: 7q36.1.
Variant type: single nucleotide variant.
Coding change: c.186+3A>G on transcript NM_016203.4 (MANE Select); 3 bases into the intron after coding-DNA position 186, A replaced by G.
Molecular consequence: intron variant.
Genome position (GRCh38, 1-based): chr7:151,786,467, T>C on the plus strand (A>G on the coding strand, the complement: PRKAG2 is on the minus strand). VCF-style: chr7-151786467-T-C. GRCh37 (hg19) VCF-style: chr7-151483553-T-C.
Other names: c.54+3A>G (NM_001040633.2).
Identifiers: ClinVar variation 2129941 (VCV002129941.4), dbSNP rs2077015132, ClinGen allele CA1752830095.
Genomic context (GRCh38, chr7:151,786,467, plus strand): 5'-GCTCTGCCTGCCTCCGTGGCACCTCAAGTGAGCTGTGAGAAACTTCTGGAAAGGAGGTCT[T>C]ACCTTTCGAGAGGAATGCTTTCCGGAACCCTCCAGGTCTCCGTCCAGGAGCGGCATGGCG-3'